The following is an entry in ClinVar:

ClinVar aggregate classification (germline): Uncertain significance. Review status: criteria provided, single submitter (1 of 4 stars). 2 submissions from 2 submitters: Uncertain significance (1). 1 of the submissions does not count toward it. Last evaluated 2024-12-02.

Conditions:
Usher syndrome type 1 (USH1). Also called: RETINITIS PIGMENTOSA AND CONGENITAL DEAFNESS. Identifiers: Orphanet 231169, Orphanet 886, MedGen C1568247, MONDO:0010168, OMIM 276900.

Allele frequency attached by ClinVar (database versions not stated): gnomAD exomes 0.00004 and 0.00003; gnomAD 0.00002 and 0.00001; TOPMed below 0.00001; ExAC 0.00003.
gnomAD v4.1: 54 of 1,613,896 alleles (0.0033%); highest among the groups gnomAD compares: East Asian, 0.025%; no homozygotes.

Submissions (2):

Labcorp Genetics (formerly Invitae), Labcorp
Classification: Uncertain significance. Last evaluated: 2024-12-02. Review status: criteria provided, single submitter. Criteria: Invitae Variant Classification Sherloc (09022015). Collection method: clinical testing. Allele origin: germline.
Comment: This sequence change replaces arginine, which is basic and polar, with glutamine, which is neutral and polar, at codon 1164 of the CDH23 protein (p.Arg1164Gln). This variant is present in population databases (rs760170584, gnomAD 0.02%). This variant has not been reported in the literature in individuals affected with CDH23-related conditions. ClinVar contains an entry for this variant (Variation ID: 989826). Invitae Evidence Modeling of protein sequence and biophysical properties (such as structural, functional, and spatial information, amino acid conservation, physicochemical variation, residue mobility, and thermodynamic stability) has been performed for this missense variant. However, the output from this modeling did not meet the statistical confidence thresholds required to predict the impact of this variant on CDH23 protein function. In summary, the available evidence is currently insufficient to determine the role of this variant in disease. Therefore, it has been classified as a Variant of Uncertain Significance.

Natera, Inc.
Classification: Uncertain significance for Usher syndrome type 1. Last evaluated: 2020-04-13. Review status: no assertion criteria provided. Collection method: clinical testing. Allele origin: germline. Not counted in ClinVar's aggregate classification.

NM_022124.6(CDH23):c.3491G>A (p.Arg1164Gln)

Genes: C10orf105 (chromosome 10 open reading frame 105; minus strand), CDH23 (cadherin related 23; plus strand). Cytogenetic location: 10q22.1.
Variant type: single nucleotide variant.
Coding change: c.3491G>A on transcript NM_022124.6 (MANE Select); coding-DNA position 3491, G replaced by A.
Protein change: p.Arg1164Gln; replaces arginine 1164 with glutamine.
Molecular consequence: missense variant. On other transcripts: intron variant (1).
Genome position (GRCh38, 1-based): chr10:71,725,432, G>A. VCF-style: chr10-71725432-G-A. GRCh37 (hg19) VCF-style: chr10-73485189-G-A.
Other names: c.3491G>A, p.Arg1164Gln (NM_001171930.2); c.-5-9090C>T (NM_001168390.2); short protein forms R1164Q.
Identifiers: ClinVar variation 989826 (VCV000989826.7), dbSNP rs760170584, ClinGen allele CA5544747.